The following is an entry in ClinVar:

NM_138387.4(G6PC3):c.625G>A (p.Gly209Ser)

Gene: G6PC3 (glucose-6-phosphatase catalytic subunit 3; plus strand). Cytogenetic location: 17q21.31.
Variant type: single nucleotide variant.
Coding change: c.625G>A on transcript NM_138387.4 (MANE Select); coding-DNA position 625, G replaced by A.
Protein change: p.Gly209Ser; replaces glycine 209 with serine.
Molecular consequence: missense variant.
Genome position (GRCh38, 1-based): chr17:44,075,399, G>A. VCF-style: chr17-44075399-G-A. GRCh37 (hg19) VCF-style: chr17-42152767-G-A.
Other names: c.506G>A, p.Arg169Lys (NM_001319945.2); c.280G>A, p.Gly94Ser (NM_001384165.1, NM_001384166.1, NM_001384167.1 and 1 more transcripts); short protein forms G94S, R169K, G209S.
Identifiers: ClinVar variation 3852385 (VCV003852385.1).

ClinVar aggregate classification (germline): Uncertain significance (1 of 4 stars; one submission).

Conditions:
Inborn genetic diseases. Identifiers: MedGen C0950123, MeSH D030342.

Submission:

Ambry Genetics
Classification: Uncertain significance for Inborn genetic diseases. Last evaluated: 2025-03-10. Review status: criteria provided, single submitter. Criteria: Ambry Variant Classification Scheme 2023. Collection method: clinical testing. Allele origin: germline.
Comment: The p.G209S variant (also known as c.625G>A), located in coding exon 5 of the G6PC3 gene, results from a G to A substitution at nucleotide position 625. The glycine at codon 209 is replaced by serine, an amino acid with similar properties. This amino acid position is conserved. In addition, this alteration is predicted to be tolerated by in silico analysis. Based on the available evidence, the clinical significance of this variant remains unclear.